The following is an entry in ClinVar:

NM_002900.3(RBP3):c.2888C>A (p.Thr963Asn)

Gene: RBP3 (retinol binding protein 3; plus strand). Cytogenetic location: 10q11.22.
Variant type: single nucleotide variant.
Coding change: c.2888C>A on transcript NM_002900.3 (MANE Select); coding-DNA position 2888, C replaced by A.
Protein change: p.Thr963Asn; replaces threonine 963 with asparagine.
Molecular consequence: missense variant.
Genome position (GRCh38, 1-based): chr10:47,351,372, C>A. VCF-style: chr10-47351372-C-A. GRCh37 (hg19) VCF-style: chr10-48387990-G-T.
Other names: c.2888C>A (NM_002900.2); short protein forms T963N.
Identifiers: ClinVar variation 1000418 (VCV001000418.7), dbSNP rs200706310, ClinGen allele CA5487184.

ClinVar aggregate classification (germline): Uncertain significance. Review status: criteria provided, multiple submitters, no conflicts (2 of 4 stars). 2 submissions from 2 submitters: Uncertain significance (2). Last evaluated 2025-06-24.

Conditions:
Inborn genetic diseases. Identifiers: MedGen C0950123, MeSH D030342.

Allele frequency attached by ClinVar (database versions not stated): ExAC 0.00002; gnomAD exomes 0.00002 and 0.00003; TOPMed 0.00003; gnomAD 0.00005 and 0.00007.

Submissions (2):

Ambry Genetics
Classification: Uncertain significance for Inborn genetic diseases. Last evaluated: 2025-06-24. Review status: criteria provided, single submitter. Criteria: Ambry Variant Classification Scheme 2023. Collection method: clinical testing. Allele origin: germline.

Labcorp Genetics (formerly Invitae), Labcorp
Classification: Uncertain significance. Last evaluated: 2024-11-11. Review status: criteria provided, single submitter. Criteria: Invitae Variant Classification Sherloc (09022015). Collection method: clinical testing. Allele origin: germline.
Comment: This sequence change replaces threonine, which is neutral and polar, with asparagine, which is neutral and polar, at codon 963 of the RBP3 protein (p.Thr963Asn). This variant is present in population databases (rs200706310, gnomAD 0.009%). This variant has not been reported in the literature in individuals affected with RBP3-related conditions. ClinVar contains an entry for this variant (Variation ID: 1000418). Invitae Evidence Modeling of protein sequence and biophysical properties (such as structural, functional, and spatial information, amino acid conservation, physicochemical variation, residue mobility, and thermodynamic stability) indicates that this missense variant is not expected to disrupt RBP3 protein function with a negative predictive value of 80%. In summary, the available evidence is currently insufficient to determine the role of this variant in disease. Therefore, it has been classified as a Variant of Uncertain Significance.